The following is an entry in ClinVar:

NM_001105244.2(PTPRM):c.4113A>G (p.Pro1371=)

Gene: PTPRM (protein tyrosine phosphatase receptor type M; plus strand). Cytogenetic location: 18p11.23.
Variant type: single nucleotide variant.
Coding change: c.4113A>G on transcript NM_001105244.2 (MANE Select); coding-DNA position 4113, A replaced by G.
Protein change: p.Pro1371=; no amino-acid change (proline 1371 retained).
Molecular consequence: synonymous variant.
Genome position (GRCh38, 1-based): chr18:8,387,140, A>G. VCF-style: chr18-8387140-A-G. GRCh37 (hg19) VCF-style: chr18-8387138-A-G.
Other names: NC_000018.9:g.8387138A>G; c.3435A>G, p.Pro1145= (NM_001378142.1); c.3474A>G, p.Pro1158= (NM_001378143.1); c.3510A>G, p.Pro1170= (NM_001378144.1); c.3549A>G, p.Pro1183= (NM_001378145.1); c.3525A>G, p.Pro1175= (NM_001378146.1); c.3600A>G, p.Pro1200= (NM_001378147.1); c.4074A>G, p.Pro1358= (NM_002845.4).
Identifiers: ClinVar variation 3043059 (VCV003043059.3), dbSNP rs147695315, ClinGen allele CA8884971.

ClinVar aggregate classification (germline): Benign (0 of 4 stars; one submission).

Conditions:
PTPRM-related disorder. Also called: PTPRM-related condition.

Allele frequency attached by ClinVar (database versions not stated): ESP Exome Variant Server 0.00284; gnomAD 0.00320; TOPMed 0.00347; 1000 Genomes Project 0.00479; 1000 Genomes Project 30x 0.00515.
gnomAD v4.1: 904 of 1,612,124 alleles (0.056%); highest among the groups gnomAD compares: African/African-American, 1.1%; 6 homozygotes.

Submissions (3):

PreventionGenetics, part of Exact Sciences
Classification: Benign for PTPRM-related condition. Last evaluated: 2020-01-06. Review status: no assertion criteria provided. Collection method: clinical testing. Allele origin: germline.
Comment: This variant is classified as benign based on ACMG/AMP sequence variant interpretation guidelines (Richards et al. 2015 PMID: 25741868, with internal and published modifications).

Dr. Peter K. Rogan Lab, Western University
No classification provided (evidence only). Condition: Thyroid cancer, nonmedullary, 1. Review status: no classification provided. Collection method: in vitro. Allele origin: not applicable. Functional consequence: retained intron. Not counted in ClinVar's aggregate classification.

Dr. Peter K. Rogan Lab, Western University
No classification provided (evidence only). Condition: Thymoma. Review status: no classification provided. Collection method: in vitro. Allele origin: not applicable. Functional consequence: retained intron. Not counted in ClinVar's aggregate classification.